The following is an entry in ClinVar:

NM_007144.3(PCGF2):c.104T>A (p.Leu35Gln)

Gene: PCGF2 (polycomb group ring finger 2; minus strand). Cytogenetic location: 17q12.
Variant type: single nucleotide variant.
Coding change: c.104T>A on transcript NM_007144.3 (MANE Select); coding-DNA position 104, T replaced by A.
Protein change: p.Leu35Gln; replaces leucine 35 with glutamine.
Molecular consequence: missense variant.
Genome position (GRCh38, 1-based): chr17:38,740,299, A>T on the plus strand (T>A on the coding strand, the complement: PCGF2 is on the minus strand). VCF-style: chr17-38740299-A-T. GRCh37 (hg19) VCF-style: chr17-36896552-A-T.
Other names: c.104T>A, p.Leu35Gln (NM_001369614.1, NM_001369615.1); short protein forms L35Q.
Identifiers: ClinVar variation 2805393 (VCV002805393.3), dbSNP rs2508695968, ClinGen allele CA398822692.

ClinVar aggregate classification (germline): Uncertain significance (1 of 4 stars; one submission).

Submission:

Labcorp Genetics (formerly Invitae), Labcorp
Classification: Uncertain significance. Last evaluated: 2023-08-14. Review status: criteria provided, single submitter. Criteria: Invitae Variant Classification Sherloc (09022015). Collection method: clinical testing. Allele origin: germline.
Comment: This sequence change replaces leucine, which is neutral and non-polar, with glutamine, which is neutral and polar, at codon 35 of the PCGF2 protein (p.Leu35Gln). In summary, the available evidence is currently insufficient to determine the role of this variant in disease. Therefore, it has been classified as a Variant of Uncertain Significance. Advanced modeling of protein sequence and biophysical properties (such as structural, functional, and spatial information, amino acid conservation, physicochemical variation, residue mobility, and thermodynamic stability) performed at Invitae indicates that this missense variant is expected to disrupt PCGF2 protein function. This variant has not been reported in the literature in individuals affected with PCGF2-related conditions. This variant is not present in population databases (gnomAD no frequency).